The following is an entry in ClinVar:

NM_201384.3(PLEC):c.7699C>T (p.Arg2567Trp)

Gene: PLEC (plectin; minus strand). Cytogenetic location: 8q24.3.
Variant type: single nucleotide variant.
Coding change: c.7699C>T on transcript NM_201384.3 (MANE Select); coding-DNA position 7699, C replaced by T.
Protein change: p.Arg2567Trp; replaces arginine 2567 with tryptophan.
Molecular consequence: missense variant.
Genome position (GRCh38, 1-based): chr8:143,922,122, G>A on the plus strand (C>T on the coding strand, the complement: PLEC is on the minus strand). VCF-style: chr8-143922122-G-A. GRCh37 (hg19) VCF-style: chr8-144996290-G-A.
Other names: c.7780C>T, p.Arg2594Trp (NM_000445.5); c.4399C>T, p.Arg1467Trp (NM_001410941.1); c.7657C>T, p.Arg2553Trp (NM_201378.4); c.7633C>T, p.Arg2545Trp (NM_201379.3); c.8110C>T, p.Arg2704Trp (NM_201380.4); c.7603C>T, p.Arg2535Trp (NM_201381.3); c.7699C>T, p.Arg2567Trp (NM_201382.4); c.7711C>T, p.Arg2571Trp (NM_201383.3); short protein forms R2535W, R2567W, R2594W, R2571W, R2704W, R2545W, R2553W, R1467W.
Identifiers: ClinVar variation 2147192 (VCV002147192.5), dbSNP rs782083663, ClinGen allele CA4925541.

ClinVar aggregate classification (germline): Uncertain significance. Review status: criteria provided, multiple submitters, no conflicts (2 of 4 stars). 2 submissions from 2 submitters: Uncertain significance (2). Last evaluated 2024-02-24.

Conditions:
Epidermolysis bullosa simplex 5C, with pyloric atresia (EBS5C). Also called: PLEC-Related Epidermolysis Bullosa with Pyloric Atresia; Epidermolysis bullosa simplex with pyloric atresia; PLEC1-Related Epidermolysis Bullosa with Pyloric Atresia. Identifiers: Orphanet 158684, MedGen C2677349, MONDO:0012807, OMIM 612138.
Autosomal recessive limb-girdle muscular dystrophy type 2Q (LGMDR17). Also called: MUSCULAR DYSTROPHY, LIMB-GIRDLE, AUTOSOMAL RECESSIVE 17. Identifiers: Orphanet 254361, MedGen C3150989, MONDO:0013390, OMIM 613723.
Epidermolysis bullosa simplex 5B, with muscular dystrophy (EBS5B). Also called: EPIDERMOLYSIS BULLOSA SIMPLEX AND LIMB-GIRDLE MUSCULAR DYSTROPHY; Epidermolysis bullosa simplex with muscular dystrophy. Identifiers: Orphanet 257, MedGen C2931072, MONDO:0009181, OMIM 226670.
Epidermolysis bullosa simplex, Ogna type (EBS5A). Also called: Pidermolysis bullosa simplex 5A, Ogna type; EPIDERMOLYSIS BULLOSA SIMPLEX 5A, OGNA TYPE. Identifiers: Orphanet 79401, MedGen C0432317, MONDO:0007555, OMIM 131950.
Epidermolysis bullosa simplex with nail dystrophy (EBS5D). Identifiers: MedGen C4225309, MONDO:0014661, OMIM 616487.

Allele frequency attached by ClinVar (database versions not stated): gnomAD exomes below 0.00001; gnomAD 0.00002; TOPMed 0.00002; ExAC 0.00006.
gnomAD v4.1: 10 of 1,544,470 alleles (0.00065%); highest among the groups gnomAD compares: African/African-American, 0.0027%; no homozygotes.

Submissions (2):

Labcorp Genetics (formerly Invitae), Labcorp
Classification: Uncertain significance for Autosomal recessive limb-girdle muscular dystrophy type 2Q; Epidermolysis bullosa simplex, Ogna type; Epidermolysis bullosa simplex with nail dystrophy; Epidermolysis bullosa simplex 5C, with pyloric atresia; Epidermolysis bullosa simplex 5B, with muscular dystrophy. Last evaluated: 2024-02-24. Review status: criteria provided, single submitter. Criteria: Invitae Variant Classification Sherloc (09022015). Collection method: clinical testing. Allele origin: germline.
Comment: This sequence change replaces arginine, which is basic and polar, with tryptophan, which is neutral and slightly polar, at codon 2594 of the PLEC protein (p.Arg2594Trp). The frequency data for this variant in the population databases is considered unreliable, as metrics indicate poor data quality at this position in the gnomAD database. This variant has not been reported in the literature in individuals affected with PLEC-related conditions. ClinVar contains an entry for this variant (Variation ID: 2147192). Advanced modeling of protein sequence and biophysical properties (such as structural, functional, and spatial information, amino acid conservation, physicochemical variation, residue mobility, and thermodynamic stability) performed at Invitae indicates that this missense variant is not expected to disrupt PLEC protein function with a negative predictive value of 80%. In summary, the available evidence is currently insufficient to determine the role of this variant in disease. Therefore, it has been classified as a Variant of Uncertain Significance.

Blueprint Genetics
Classification: Uncertain significance. Last evaluated: 2023-08-24. Review status: criteria provided, single submitter. Criteria: ACMG Guidelines, 2015. Collection method: clinical testing. Allele origin: germline.